The following is an entry in ClinVar:

NM_170665.4(ATP2A2):c.348del (p.Ile116fs)

Gene: ATP2A2 (ATPase sarcoplasmic/endoplasmic reticulum Ca2+ transporting 2; plus strand). Cytogenetic location: 12q24.11.
Variant type: Deletion.
Coding change: c.348del on transcript NM_170665.4 (MANE Select); coding-DNA position 348, one base deleted (C; older notation c.348delC).
Protein change: p.Ile116fs; shifts the reading frame from isoleucine 116.
Molecular consequence: frameshift variant.
Genome position (GRCh38, 1-based): chr12:110,296,622, C deleted. VCF-style (leftmost placement, unchanged base first): chr12-110296621-TC-T. GRCh37 (hg19) VCF-style: chr12-110734426-TC-T.
Other names: c.348del, p.Ile116fs (NM_001681.4); short protein forms I116fs.
Identifiers: ClinVar variation 1071045 (VCV001071045.7), dbSNP rs2137720420, ClinGen allele CA2499221441.

ClinVar aggregate classification (germline): Pathogenic (1 of 4 stars; one submission).

Submission:

Labcorp Genetics (formerly Invitae), Labcorp
Classification: Pathogenic. Last evaluated: 2018-03-09. Review status: criteria provided, single submitter. Criteria: Invitae Variant Classification Sherloc (09022015). Collection method: clinical testing. Allele origin: germline.
Comment: This variant is not present in population databases (ExAC no frequency). For these reasons, this variant has been classified as Pathogenic. Loss-of-function variants in ATP2A2 are known to be pathogenic (PMID: 10080178, 10441324). This variant has not been reported in the literature in individuals with ATP2A2-related disease. This sequence change creates a premature translational stop signal (p.Ile116Metfs*30) in the ATP2A2 gene. It is expected to result in an absent or disrupted protein product.

Literature cited by the submitters: PubMed 10080178; PubMed 10441324.